The following is an entry in ClinVar:

NM_000350.3(ABCA4):c.6820T>A (p.Ter2274Arg)

Gene: ABCA4 (ATP binding cassette subfamily A member 4; minus strand). Cytogenetic location: 1p22.1.
Variant type: single nucleotide variant.
Coding change: c.6820T>A on transcript NM_000350.3 (MANE Select); coding-DNA position 6820, T replaced by A.
Protein change: p.Ter2274Arg.
Molecular consequence: stop lost.
Genome position (GRCh38, 1-based): chr1:93,993,239, A>T on the plus strand (T>A on the coding strand, the complement: ABCA4 is on the minus strand). VCF-style: chr1-93993239-A-T. GRCh37 (hg19) VCF-style: chr1-94458795-A-T.
Other names: *2274Rext*34; *2274R; NM_000350.3(ABCA4):c.6820T>A; p.Ter2274Arg; c.6598T>A, p.Ter2200Arg (NM_001425324.1).
Identifiers: ClinVar variation 916723 (VCV000916723.4), dbSNP rs1658918432, ClinGen allele CA341275647.
Genomic context (GRCh38, chr1:93,993,239, plus strand): 5'-CTGCGCCTCCAGCTGCCCAGAGTTCCTTTCTGGCTGCAGGAACGAGCGGTGTGAAAGATC[A>T]GTCCTGTGGAAGGAGATCACATGGACTCGCGTCATCTTGGTTTTCTGAGATGCTGTACTA-3'

ClinVar aggregate classification (germline): Uncertain significance. Review status: reviewed by expert panel (3 of 4 stars). 3 submissions from 3 submitters: Uncertain significance (1). 2 of the submissions do not count toward it. Last evaluated 2026-04-28.

Conditions:
ABCA4-related retinopathy. Also called: ABCA4-related retinoapthy; ABCA4 retinoapthy. Identifiers: MedGen CN322612, MONDO:0800406.
Cone-rod dystrophy 3 (CORD3). Identifiers: Orphanet 1872, MedGen C1858806, MONDO:0011395, OMIM 604116.

Submissions (3):

ClinGen ABCA4 Variant Curation Expert Panel, Clingen
Classification: Uncertain significance for ABCA4-related retinopathy. Last evaluated: 2026-04-28. Review status: reviewed by expert panel. Criteria: ClinGen ABCA4 ACMG Specifications V1.0.0. Collection method: curation. Allele origin: germline. Inheritance: Autosomal recessive inheritance.
Comment: The NM_000350.3(ABCA4):c.6820T>A, p.(Ter2274ArgextTer34) variant in ABCA4 is a stop loss variant predicted to substitute a normal termination codon at codon 2274 with an arginine, leading to a C-terminal extended missense sequence and introduction of a stop codon at the 34th codon of the new reading frame. This variant is absent from gnomAD v4.1.0 (PM2_Supporting). At least one patient with this variant displayed homozygosity of a complex allele [c.1610G>A;c.6820T>A] with onset under 18 years of age, macular flecks on imaging and fundus autofluorescence, decreased central visual acuity, and/or macular atrophy, which is highly specific for ABCA4-related retinopathy (PMID: 32783370). However, the case is not counted as evidence due to the complex allele, where the ABCA4 c.1610G>A variant is classified as likely pathogenic by the ABCA4 VCEP. In summary, this variant meets the criteria to be classified as variant of uncertain significance for ABCA4-related retinopathy based on the ACMG/AMP criteria applied, as specified by the ClinGen ABCA4 VCEP (Specification Version 1.0.0): PM2_Supporting.

Blueprint Genetics
Classification: Uncertain significance. Last evaluated: 2019-12-20. Review status: criteria provided, single submitter. Criteria: ACMG Guidelines, 2015. Collection method: clinical testing. Allele origin: germline. Not counted in ClinVar's aggregate classification.

Moosajee Lab, UCL Institute of Ophthalmology
Classification: Uncertain significance for Cone-rod dystrophy 3. Review status: no assertion criteria provided. Collection method: clinical testing. Allele origin: inherited. Affected: yes. Observed: 1 homozygote. Not counted in ClinVar's aggregate classification.